The following is an entry in ClinVar:

ClinVar aggregate classification (germline): Conflicting classifications of pathogenicity. Review status: criteria provided, conflicting classifications (1 of 4 stars). 2 submissions from 2 submitters: Uncertain significance (1); Likely benign (1). Last evaluated 2022-08-03.

Conditions:
Hereditary cancer-predisposing syndrome. Also called: Hereditary Cancer Syndrome; Neoplastic Syndromes, Hereditary; Tumor predisposition; Hereditary neoplastic syndrome. Identifiers: Orphanet 140162, MedGen C0027672, MeSH D009386, MONDO:0015356.
Ataxia-telangiectasia syndrome (AT). Also called: Cerebello-oculocutaneous telangiectasia; Immunodeficiency with ataxia telangiectasia; Ataxia-telangiectasia, complementation group E; Ataxia-telangiectasia, complementation group D; AT, COMPLEMENTATION GROUP C; ATAXIA-TELANGIECTASIA, COMPLEMENTATION GROUP A. Identifiers: Orphanet 100, MedGen C0004135, MONDO:0008840, OMIM 208900.

gnomAD v4.1: 1 of 1,593,646 alleles (0.000063%); highest among the groups gnomAD compares: Non-Finnish European, 0.000086%; no homozygotes.

Submissions (2):

Labcorp Genetics (formerly Invitae), Labcorp
Classification: Uncertain significance for Ataxia-telangiectasia syndrome. Last evaluated: 2022-08-03. Review status: criteria provided, single submitter. Criteria: Invitae Variant Classification Sherloc (09022015). Collection method: clinical testing. Allele origin: germline.
Comment: ClinVar contains an entry for this variant (Variation ID: 524361). Variants that disrupt the consensus splice site are a relatively common cause of aberrant splicing (PMID: 17576681, 9536098). Algorithms developed to predict the effect of sequence changes on RNA splicing suggest that this variant is not likely to affect RNA splicing. In summary, the available evidence is currently insufficient to determine the role of this variant in disease. Therefore, it has been classified as a Variant of Uncertain Significance. This variant has not been reported in the literature in individuals affected with ATM-related conditions. This sequence change falls in intron 54 of the ATM gene. It does not directly change the encoded amino acid sequence of the ATM protein. It affects a nucleotide within the consensus splice site. This variant is not present in population databases (gnomAD no frequency).

Ambry Genetics
Classification: Likely benign for Hereditary cancer-predisposing syndrome. Last evaluated: 2020-11-10. Review status: criteria provided, single submitter. Criteria: Ambry Variant Classification Scheme 2023. Collection method: clinical testing. Allele origin: germline.

Literature cited by the submitters: PubMed 17576681 (cited by Labcorp Genetics (formerly Invitae), Labcorp); PubMed 9536098 (cited by Labcorp Genetics (formerly Invitae), Labcorp).

NM_000051.4(ATM):c.8010+5T>C

Genes: ATM (ATM serine/threonine kinase; plus strand), C11orf65 (chromosome 11 open reading frame 65; minus strand). Cytogenetic location: 11q22.3.
Variant type: single nucleotide variant.
Coding change: c.8010+5T>C on transcript NM_000051.4 (MANE Select); 5 bases into the intron after coding-DNA position 8010, T replaced by C.
Molecular consequence: intron variant.
Genome position (GRCh38, 1-based): chr11:108,333,973, T>C. VCF-style: chr11-108333973-T-C. GRCh37 (hg19) VCF-style: chr11-108204700-T-C.
Other names: c.8010+5T>C (NM_001351834.2); c.641-24902A>G (NM_001330368.2); c.*38+1247A>G (NM_001351110.2).
Identifiers: ClinVar variation 524361 (VCV000524361.11), dbSNP rs56256497, ClinGen allele CA658797751.